The following is an entry in ClinVar:

ClinVar aggregate classification (germline): Uncertain significance. Review status: criteria provided, multiple submitters, no conflicts (2 of 4 stars). 6 submissions from 6 submitters: Uncertain significance (5). 1 of the submissions does not count toward it. Last evaluated 2024-04-22.

Conditions:
Hermansky-Pudlak syndrome 1 (HPS1). Also called: DELTA STORAGE POOL DISEASE. Identifiers: Orphanet 231500, Orphanet 79430, MedGen C2931875, MONDO:0008748, OMIM 203300.
Inborn genetic diseases. Identifiers: MedGen C0950123, MeSH D030342.
Hermansky-Pudlak syndrome (HPS). Also called: ALBINISM WITH HEMORRHAGIC DIATHESIS AND PIGMENTED RETICULOENDOTHELIAL CELLS. Identifiers: Orphanet 79430, MedGen C0079504, MONDO:0019312.

Allele frequency attached by ClinVar (database versions not stated): gnomAD exomes 0.00007; gnomAD 0.00009; TOPMed 0.00010; ExAC 0.00012; ESP Exome Variant Server 0.00015.
gnomAD v4.1: 175 of 1,613,778 alleles (0.011%); highest among the groups gnomAD compares: Non-Finnish European, 0.014%; no homozygotes.

Submissions (6):

GeneDx
Classification: Uncertain significance. Last evaluated: 2024-04-22. Review status: criteria provided, single submitter. Criteria: GeneDx Variant Classification Process June 2021. Collection method: clinical testing. Allele origin: germline. Affected: yes.
Comment: In silico analysis supports that this missense variant has a deleterious effect on protein structure/function; Has not been previously published as pathogenic or benign to our knowledge

Labcorp Genetics (formerly Invitae), Labcorp
Classification: Uncertain significance. Last evaluated: 2022-09-27. Review status: criteria provided, single submitter. Criteria: Invitae Variant Classification Sherloc (09022015). Collection method: clinical testing. Allele origin: germline.
Comment: This sequence change replaces arginine, which is basic and polar, with glutamine, which is neutral and polar, at codon 483 of the HPS1 protein (p.Arg483Gln). This variant is present in population databases (rs199996900, gnomAD 0.02%). This variant has not been reported in the literature in individuals affected with HPS1-related conditions. ClinVar contains an entry for this variant (Variation ID: 990835). Advanced modeling of protein sequence and biophysical properties (such as structural, functional, and spatial information, amino acid conservation, physicochemical variation, residue mobility, and thermodynamic stability) performed at Invitae indicates that this missense variant is not expected to disrupt HPS1 protein function. Algorithms developed to predict the effect of sequence changes on RNA splicing suggest that this variant may create or strengthen a splice site. In summary, the available evidence is currently insufficient to determine the role of this variant in disease. Therefore, it has been classified as a Variant of Uncertain Significance.

Department of Pathology and Laboratory Medicine, Sinai Health System
Classification: Uncertain significance for Hermansky-Pudlak syndrome 1. Last evaluated: 2022-08-24. Review status: criteria provided, single submitter. Criteria: ACMG Guidelines, 2015. Collection method: research. Allele origin: germline.

Fulgent Genetics
Classification: Uncertain significance for Hermansky-Pudlak syndrome 1. Last evaluated: 2021-12-13. Review status: criteria provided, single submitter. Criteria: ACMG Guidelines, 2015. Collection method: clinical testing. Allele origin: unknown.

Ambry Genetics
Classification: Uncertain significance for Inborn genetic diseases. Last evaluated: 2021-10-22. Review status: criteria provided, single submitter. Criteria: Ambry Variant Classification Scheme 2023. Collection method: clinical testing. Allele origin: germline.

Natera, Inc.
Classification: Uncertain significance for Hermansky-Pudlak syndrome. Last evaluated: 2020-04-10. Review status: no assertion criteria provided. Collection method: clinical testing. Allele origin: germline. Not counted in ClinVar's aggregate classification.

NM_000195.5(HPS1):c.1448G>A (p.Arg483Gln)

Gene: HPS1 (HPS1 biogenesis of lysosomal organelles complex 3 subunit 1; minus strand). Cytogenetic location: 10q24.2.
Variant type: single nucleotide variant.
Coding change: c.1448G>A on transcript NM_000195.5 (MANE Select); coding-DNA position 1448, G replaced by A.
Protein change: p.Arg483Gln; replaces arginine 483 with glutamine.
Molecular consequence: missense variant.
Genome position (GRCh38, 1-based): chr10:98,423,837, C>T on the plus strand (G>A on the coding strand, the complement: HPS1 is on the minus strand). VCF-style: chr10-98423837-C-T. GRCh37 (hg19) VCF-style: chr10-100183594-C-T.
Other names: c.1448G>A, p.Arg483Gln (NM_001322476.2, NM_001322477.2); c.1349G>A, p.Arg450Gln (NM_001322478.2, NM_001322479.2); c.1187G>A, p.Arg396Gln (NM_001322480.2, NM_001322481.2); c.1088G>A, p.Arg363Gln (NM_001322482.2); c.1079G>A, p.Arg360Gln (NM_001322483.2, NM_001322484.2); c.980G>A, p.Arg327Gln (NM_001322485.2); c.476G>A, p.Arg159Gln (NM_001322487.2, NM_001322489.2, NM_001311345.2); c.1448G>A (NM_000195.3); short protein forms R159Q, R327Q, R360Q, R363Q, R396Q, R450Q, R483Q.
Identifiers: ClinVar variation 990835 (VCV000990835.6), dbSNP rs199996900, ClinGen allele CA5639018.